The following is an entry in ClinVar:

ClinVar aggregate classification (germline): Uncertain significance. Review status: criteria provided, multiple submitters, no conflicts (2 of 4 stars). 2 submissions from 2 submitters: Uncertain significance (2). Last evaluated 2023-11-10.

Allele frequency attached by ClinVar (database versions not stated): gnomAD exomes below 0.00001; ESP Exome Variant Server 0.00008.

Submissions (2):

GeneDx
Classification: Uncertain significance. Last evaluated: 2023-11-10. Review status: criteria provided, single submitter. Criteria: GeneDx Variant Classification Process June 2021. Collection method: clinical testing. Allele origin: germline. Affected: yes.
Comment: Not observed at significant frequency in large population cohorts (gnomAD); In silico analysis supports that this missense variant does not alter protein structure/function; Has not been previously published as pathogenic or benign to our knowledge

Labcorp Genetics (formerly Invitae), Labcorp
Classification: Uncertain significance. Last evaluated: 2022-09-27. Review status: criteria provided, single submitter. Criteria: Invitae Variant Classification Sherloc (09022015). Collection method: clinical testing. Allele origin: germline.
Comment: This sequence change replaces asparagine, which is neutral and polar, with serine, which is neutral and polar, at codon 537 of the MYO7A protein (p.Asn537Ser). This variant is not present in population databases (gnomAD no frequency). This variant has not been reported in the literature in individuals affected with MYO7A-related conditions. ClinVar contains an entry for this variant (Variation ID: 1002140). Advanced modeling of protein sequence and biophysical properties (such as structural, functional, and spatial information, amino acid conservation, physicochemical variation, residue mobility, and thermodynamic stability) performed at Invitae indicates that this missense variant is not expected to disrupt MYO7A protein function. In summary, the available evidence is currently insufficient to determine the role of this variant in disease. Therefore, it has been classified as a Variant of Uncertain Significance.

NM_000260.4(MYO7A):c.1610A>G (p.Asn537Ser)

Gene: MYO7A (myosin VIIA; plus strand). Cytogenetic location: 11q13.5.
Variant type: single nucleotide variant.
Coding change: c.1610A>G on transcript NM_000260.4 (MANE Select); coding-DNA position 1610, A replaced by G.
Protein change: p.Asn537Ser; replaces asparagine 537 with serine.
Molecular consequence: missense variant.
Genome position (GRCh38, 1-based): chr11:77,162,908, A>G. VCF-style: chr11-77162908-A-G. GRCh37 (hg19) VCF-style: chr11-76873954-A-G.
Other names: c.1610A>G, p.Asn537Ser (NM_001127180.2); c.1577A>G, p.Asn526Ser (NM_001369365.1); c.1610A>G (NM_000260.3); short protein forms N526S, N537S.
Identifiers: ClinVar variation 1002140 (VCV001002140.6), dbSNP rs375076507, ClinGen allele CA224831749.